The following is an entry in ClinVar:

ClinVar aggregate classification (germline): Conflicting classifications of pathogenicity. Review status: criteria provided, conflicting classifications (1 of 4 stars). 4 submissions from 3 submitters: Uncertain significance (1); Benign (1); Likely benign (1). 1 of the submissions does not count toward it. Last evaluated 2024-03-27.

Conditions:
TSHR-related disorder. Also called: TSHR-related condition; TSHR-related disorders.
Hypothyroidism due to TSH receptor mutations. Also called: Hypothyroidism, congenital, nongoitrous, 1; HYPOTHYROIDISM DUE TO UNRESPONSIVENESS TO THYROTROPIN; HYPOTHYROIDISM, CONGENITAL, DUE TO TSH RESISTANCE; HYPOTHYROIDISM, NONAUTOIMMUNE; THYROID-STIMULATING HORMONE, RESISTANCE TO; TSH RESISTANCE. Identifiers: Orphanet 90673, MedGen C3493776, MONDO:0010142, OMIM 275200.
Familial hyperthyroidism due to mutations in TSH receptor. Also called: HYPERTHYROIDISM, CONGENITAL NONAUTOIMMUNE; HYPERTHYROIDISM, NONAUTOIMMUNE, AUTOSOMAL DOMINANT; TOXIC THYROID HYPERPLASIA, AUTOSOMAL DOMINANT. Identifiers: Orphanet 424, MedGen C1836706, MONDO:0012203, OMIM 609152.

Allele frequency attached by ClinVar (database versions not stated): TOPMed 0.00003; ExAC 0.00004; gnomAD 0.00002; gnomAD exomes 0.00008 and 0.00005.
gnomAD v4.1: 78 of 1,613,958 alleles (0.0048%); highest among the groups gnomAD compares: Admixed American, 0.012%; no homozygotes.

Submissions (4):

Labcorp Genetics (formerly Invitae), Labcorp
Classification: Likely benign. Last evaluated: 2024-03-27. Review status: criteria provided, single submitter. Criteria: Invitae Variant Classification Sherloc (09022015). Collection method: clinical testing. Allele origin: germline.

Illumina Laboratory Services, Illumina
Classification: Benign for Familial hyperthyroidism due to mutations in TSH receptor. Last evaluated: 2017-04-27. Review status: criteria provided, single submitter. Criteria: ICSL Variant Classification Criteria 13 December 2019. Collection method: clinical testing. Allele origin: germline.
Comment: This variant was observed as part of a predisposition screen in an ostensibly healthy population. A literature search was performed for the gene, cDNA change, and amino acid change (where applicable). No publications were found based on this search. Allele frequency data from public databases was too high to be consistent with this variant causing disease. Therefore, this variant is classified as benign.

Illumina Laboratory Services, Illumina
Classification: Uncertain significance for Hypothyroidism due to TSH receptor mutations. Last evaluated: 2017-04-27. Review status: criteria provided, single submitter. Criteria: ICSL Variant Classification Criteria 13 December 2019. Collection method: clinical testing. Allele origin: germline.

PreventionGenetics, part of Exact Sciences
Classification: Likely benign for TSHR-related condition. Last evaluated: 2020-12-01. Review status: no assertion criteria provided. Collection method: clinical testing. Allele origin: germline. Not counted in ClinVar's aggregate classification.
Comment: This variant is classified as likely benign based on ACMG/AMP sequence variant interpretation guidelines (Richards et al. 2015 PMID: 25741868, with internal and published modifications).

NM_000369.5(TSHR):c.891G>A (p.Glu297=)

Genes: TSHR-AS1 (TSHR antisense RNA 1; minus strand), TSHR (thyroid stimulating hormone receptor; plus strand). Cytogenetic location: 14q31.1.
Variant type: single nucleotide variant.
Coding change: c.891G>A on transcript NM_000369.5 (MANE Select); coding-DNA position 891, G replaced by A.
Protein change: p.Glu297=; no amino-acid change (glutamic acid 297 retained).
Molecular consequence: synonymous variant.
Genome position (GRCh38, 1-based): chr14:81,142,949, G>A. VCF-style: chr14-81142949-G-A. GRCh37 (hg19) VCF-style: chr14-81609293-G-A.
Identifiers: ClinVar variation 887198 (VCV000887198.9), dbSNP rs765027542, ClinGen allele CA7294352.